The following is an entry in ClinVar:

NM_007294.4(BRCA1):c.4514A>T (p.Asp1505Val)

Gene: BRCA1 (BRCA1 DNA repair associated; minus strand). Cytogenetic location: 17q21.31.
Variant type: single nucleotide variant.
Coding change: c.4514A>T on transcript NM_007294.4 (MANE Select); coding-DNA position 4514, A replaced by T.
Protein change: p.Asp1505Val; replaces aspartic acid 1505 with valine.
Molecular consequence: missense variant. On other transcripts: non-coding transcript variant (1).
Genome position (GRCh38, 1-based): chr17:43,074,492, T>A on the plus strand (A>T on the coding strand, the complement: BRCA1 is on the minus strand). VCF-style: chr17-43074492-T-A. GRCh37 (hg19) VCF-style: chr17-41226509-T-A.
Other names: c.4178A>T, p.Asp1393Val (NM_001407951.1, NM_001407955.1, NM_001407953.1 and 3 more transcripts); c.4175A>T, p.Asp1392Val (NM_001407956.1, NM_001407957.1, NM_001407958.1); c.4133A>T, p.Asp1378Val (NM_001407959.1); c.4301A>T, p.Asp1434Val (NM_001407571.1, NM_001407894.1, NM_001407895.1 and 12 more transcripts); c.4580A>T, p.Asp1527Val (NM_001407581.1, NM_001407582.1); c.4577A>T, p.Asp1526Val (NM_001407583.1, NM_001407585.1, NM_001407587.1 and 1 more transcripts); c.4574A>T, p.Asp1525Val (NM_001407590.1, NM_001407591.1); c.4514A>T, p.Asp1505Val (NM_001407593.1, NM_001407594.1, NM_001407596.1 and 8 more transcripts); and 68 more; short protein forms D1505V, D1526V, D401V, D1458V, D312V, D313V, D331V, D363V.
Identifiers: ClinVar variation 570514 (VCV000570514.10), dbSNP rs1567778319, ClinGen allele CA10592498.

ClinVar aggregate classification (germline): Uncertain significance (1 of 4 stars; one submission).

Conditions:
Hereditary breast ovarian cancer syndrome. Also called: Hereditary breast and ovarian cancer syndrome; Breast and ovarian cancer; Hereditary breast and ovarian cancer; Hereditary breast and/or ovarian cancer syndrome; Hereditary breast and ovarian cancer syndrome (HBOC); BRCA1- and BRCA2-Associated Hereditary Breast and Ovarian Cancer. Identifiers: Orphanet 145, MedGen C0677776, MeSH D061325, MONDO:0003582. Disease mechanism: loss of function.

Allele frequency attached by ClinVar (database versions not stated): gnomAD exomes below 0.00001.
gnomAD v4.1: 1 of 1,614,076 alleles (0.000062%); highest among the groups gnomAD compares: Non-Finnish European, 0.000085%; no homozygotes.

Submission:

Labcorp Genetics (formerly Invitae), Labcorp
Classification: Uncertain significance for Hereditary breast ovarian cancer syndrome. Last evaluated: 2018-05-20. Review status: criteria provided, single submitter. Criteria: Invitae Variant Classification Sherloc (09022015). Collection method: clinical testing. Allele origin: germline.
Comment: This variant has been reported in an individual affected with breast cancer in the Leiden Open-source Variation Database (PMID: 21520333). In summary, the available evidence is currently insufficient to determine the role of this variant in disease. Therefore, it has been classified as a Variant of Uncertain Significance. Algorithms developed to predict the effect of missense changes on protein structure and function (SIFT, PolyPhen-2, Align-GVGD) all suggest that this variant is likely to be tolerated, but these predictions have not been confirmed by published functional studies and their clinical significance is uncertain. This variant is not present in population databases (ExAC no frequency). This sequence change replaces aspartic acid with valine at codon 1505 of the BRCA1 protein (p.Asp1505Val). The aspartic acid residue is weakly conserved and there is a large physicochemical difference between aspartic acid and valine.

Literature cited by the submitters: PubMed 21520333.